The following is an entry in ClinVar:

NM_006073.4(TRDN):c.521del (p.Val174fs)

Gene: TRDN (triadin; minus strand). Cytogenetic location: 6q22.31.
Variant type: Deletion.
Coding change: c.521del on transcript NM_006073.4 (MANE Select); coding-DNA position 521, one base deleted (T; older notation c.521delT).
Protein change: p.Val174fs; shifts the reading frame from valine 174.
Molecular consequence: frameshift variant.
Genome position (GRCh38, 1-based): chr6:123,516,170, A deleted on the plus strand (T on the coding strand, the reverse complement: TRDN is on the minus strand). VCF-style (leftmost placement, unchanged base first): chr6-123516169-TA-T. GRCh37 (hg19) VCF-style: chr6-123837314-TA-T.
Other names: c.521del, p.Val174fs (NM_001251987.2, NM_001256020.2, NM_001256021.2 and 1 more transcripts); short protein forms V174fs.
Identifiers: ClinVar variation 4712099 (VCV004712099.1).

ClinVar aggregate classification (germline): Pathogenic (1 of 4 stars; one submission).

Conditions:
Catecholaminergic polymorphic ventricular tachycardia 1. Also called: RYR2-Related Catecholaminergic Polymorphic Ventricular Tachycardia; VENTRICULAR TACHYCARDIA, CATECHOLAMINERGIC POLYMORPHIC, 1, WITH OR WITHOUT ATRIAL DYSFUNCTION AND/OR DILATED CARDIOMYOPATHY; VENTRICULAR TACHYCARDIA, STRESS-INDUCED POLYMORPHIC 1. Identifiers: Orphanet 3286, MedGen C1631597, MONDO:0011484, OMIM 604772.

Submission:

Labcorp Genetics (formerly Invitae), Labcorp
Classification: Pathogenic for Catecholaminergic polymorphic ventricular tachycardia 1. Last evaluated: 2025-03-30. Review status: criteria provided, single submitter. Criteria: Invitae Variant Classification Sherloc (09022015). Collection method: clinical testing. Allele origin: germline.
Comment: This sequence change creates a premature translational stop signal (p.Val174Glufs*49) in the TRDN gene. While this is not anticipated to result in nonsense mediated decay, it is expected to disrupt the last 556 amino acid(s) of the TRDN protein. This variant is not present in population databases (gnomAD no frequency). This variant has not been reported in the literature in individuals affected with TRDN-related conditions. This variant disrupts a region of the TRDN protein in which other variant(s) (p.Ala208Leufs*15, p.Gln205*) have been determined to be pathogenic (PMID: 22422768, 26200674, 30649896). This suggests that this is a clinically significant region of the protein, and that variants that disrupt it are likely to be disease-causing. For these reasons, this variant has been classified as Pathogenic.

Literature cited by the submitters: PubMed 22422768; PubMed 26200674; PubMed 30649896.